The following is an entry in ClinVar:

NM_015338.6(ASXL1):c.2663A>T (p.Lys888Met)

Gene: ASXL1 (ASXL transcriptional regulator 1; plus strand). Cytogenetic location: 20q11.21.
Variant type: single nucleotide variant.
Coding change: c.2663A>T on transcript NM_015338.6 (MANE Select); coding-DNA position 2663, A replaced by T.
Protein change: p.Lys888Met; replaces lysine 888 with methionine.
Molecular consequence: missense variant.
Genome position (GRCh38, 1-based): chr20:32,435,375, A>T. VCF-style: chr20-32435375-A-T. GRCh37 (hg19) VCF-style: chr20-31023178-A-T.
Other names: c.2480A>T, p.Lys827Met (NM_001363734.1); short protein forms K888M, K827M.
Identifiers: ClinVar variation 3794205 (VCV003794205.1).

ClinVar aggregate classification (germline): Uncertain significance (1 of 4 stars; one submission).

Conditions:
Inborn genetic diseases. Identifiers: MedGen C0950123, MeSH D030342.

Submission:

Ambry Genetics
Classification: Uncertain significance for Inborn genetic diseases. Last evaluated: 2025-03-07. Review status: criteria provided, single submitter. Criteria: Ambry Variant Classification Scheme 2023. Collection method: clinical testing. Allele origin: germline.
Comment: The p.K888M variant (also known as c.2663A>T), located in coding exon 13 of the ASXL1 gene, results from an A to T substitution at nucleotide position 2663. The lysine at codon 888 is replaced by methionine, an amino acid with similar properties. This amino acid position is conserved. In addition, this alteration is predicted to be tolerated by in silico analysis. Based on the available evidence, the clinical significance of this variant remains unclear.